The following is an entry in ClinVar:

NM_000157.4(GBA1):c.1162G>T (p.Glu388Ter)

Genes: GBA1 (glucosylceramidase beta 1; minus strand), LOC106627981 (GBA recombination region; plus strand). Cytogenetic location: 1q22.
Variant type: single nucleotide variant.
Coding change: c.1162G>T on transcript NM_000157.4 (MANE Select); coding-DNA position 1162, G replaced by T.
Protein change: p.Glu388Ter; replaces glutamic acid 388 with a stop codon.
Molecular consequence: nonsense.
Genome position (GRCh38, 1-based): chr1:155,236,307, C>A on the plus strand (G>T on the coding strand, the complement: GBA1 is on the minus strand). VCF-style: chr1-155236307-C-A. GRCh37 (hg19) VCF-style: chr1-155206098-C-A.
Other names: c.1162G>T, p.Glu388Ter (NM_001005741.3, NM_001005742.3); c.901G>T, p.Glu301Ter (NM_001171811.2); c.1015G>T, p.Glu339Ter (NM_001171812.2); short protein forms E301*, E339*, E388*.
Identifiers: ClinVar variation 4530600 (VCV004530600.1).

ClinVar aggregate classification (germline): Likely pathogenic (1 of 4 stars; one submission).

Conditions:
Gaucher disease-ophthalmoplegia-cardiovascular calcification syndrome. Also called: GAUCHER DISEASE, TYPE IIIC. Identifiers: Orphanet 2072, MedGen C1856476, MONDO:0009268, OMIM 231005.
Gaucher disease type I (GD1). Also called: Type 1 Gaucher Disease; GD 1; ACID BETA-GLUCOSIDASE DEFICIENCY; Gaucher's disease, type 1; GAUCHER DISEASE, NONCEREBRAL JUVENILE; GBA DEFICIENCY. Identifiers: Orphanet 355, Orphanet 77259, MedGen C1961835, MONDO:0009265, OMIM 230800.
Gaucher disease type II (GD2). Also called: Type 2 Gaucher disease (Acute; Infantile); Acute neuronopathic Gaucher's disease; GAUCHER DISEASE, ACUTE NEURONOPATHIC TYPE; GD II. Identifiers: Orphanet 77260, MedGen C0268250, MONDO:0009266, OMIM 230900.
Gaucher disease type III. Also called: Gaucher Disease, Type 3; Type 3 Gaucher disease (Subacute; Juvenile); Subacute neuronopathic Gaucher's disease; GAUCHER DISEASE, CHRONIC NEURONOPATHIC TYPE; GAUCHER DISEASE, JUVENILE AND ADULT, CEREBRAL; GAUCHER DISEASE, SUBACUTE NEURONOPATHIC TYPE. Identifiers: Orphanet 355, Orphanet 77261, MedGen C0268251, MONDO:0009267, OMIM 231000.
Gaucher disease. Also called: Acute cerebral Gaucher disease; Cerebroside lipidosis syndrome; Gaucher splenomegaly; Sphingolipidosis 1; Glucocerebrosidosis; Glucosylceramidase deficiency. Identifiers: Orphanet 355, MedGen C0017205, MONDO:0018150.
Gaucher disease perinatal lethal. Also called: Gaucher disease collodion type; Gaucher Disease, Perinatal-Lethal Form. Identifiers: Orphanet 85212, MedGen C1842704, MONDO:0011945, OMIM 608013.

Submission:

Otogenetics
Classification: Likely pathogenic for Gaucher disease type I; Gaucher disease type III; Gaucher disease type II; Gaucher disease; Gaucher disease perinatal lethal; Gaucher disease-ophthalmoplegia-cardiovascular calcification syndrome. Last evaluated: 2025-10-08. Review status: criteria provided, single submitter. Criteria: ACMG Guidelines, 2015. Collection method: clinical testing. Allele origin: germline.
Comment: PVS1: Stop gain variant introduces premature stop codon in gene with loss of function as mechanism of disease, predicted to undergo NMD; PM2: Variant not observed in gnomAD (<0.252% threshold)